The following is an entry in ClinVar:

ClinVar aggregate classification (germline): Pathogenic/Likely pathogenic. Review status: criteria provided, multiple submitters, no conflicts (2 of 4 stars). 3 submissions from 3 submitters: Pathogenic (2); Likely pathogenic (1). Last evaluated 2026-03-10.

Conditions:
Intellectual developmental disorder, autosomal dominant 6, with or without seizures. Also called: Intellectual disability, autosomal dominant 6; GRIN2B-related developmental delay, intellectual disability and autism spectrum disorder. Identifiers: Orphanet 589547, MedGen C3151411, MONDO:0013509, OMIM 613970.
GRIN2B-related disorder. Also called: GRIN2B-related condition.

Submissions (3):

GeneDx
Classification: Pathogenic. Last evaluated: 2026-03-10. Review status: criteria provided, single submitter. Criteria: GeneDx Variant Classification Process June 2021. Collection method: clinical testing. Allele origin: germline.
Comment: Nonsense variant predicted to result in protein truncation or nonsense mediated decay in a gene for which loss-of-function is a known mechanism of disease; Not observed at significant frequency in large population cohorts (gnomAD); Has not been previously published as pathogenic or benign to our knowledge

Molecular Genetics Laboratory, Motol Hospital
Classification: Pathogenic for Intellectual developmental disorder, autosomal dominant 6, with or without seizures. Last evaluated: 2024-11-20. Review status: criteria provided, single submitter. Criteria: ACMG Guidelines, 2015. Collection method: clinical testing. Allele origin: de novo. Affected: yes. Observed: 1 variant allele.
Comment: The variant was confirmed to be of a de novo origin. Rare truncating variants affecting the GRIN2B gene are well documented as a molecular cause of autosomal dominant " intellectual developmental disorder-6 with or without seizures" (OMIM:613970) (PMID:23160955;20890276;27818011). To conclude, the variant is classified as pathogenic (ACMG PVS1, PM2, PS2).

Blueprint Genetics
Classification: Likely pathogenic for GRIN2B-related disorders. Last evaluated: 2023-05-19. Review status: criteria provided, single submitter. Criteria: ACMG Guidelines, 2015. Collection method: clinical testing. Allele origin: germline. Affected: yes. Observed: 1 variant allele.

Literature cited by the submitters: PubMed 23160955 (cited by Molecular Genetics Laboratory, Motol Hospital); PubMed 20890276 (cited by Molecular Genetics Laboratory, Motol Hospital); PubMed 27818011 (cited by Molecular Genetics Laboratory, Motol Hospital).

NM_000834.5(GRIN2B):c.2533C>T (p.Gln845Ter)

Gene: GRIN2B (glutamate ionotropic receptor NMDA type subunit 2B; minus strand). Cytogenetic location: 12p13.1.
Variant type: single nucleotide variant.
Coding change: c.2533C>T on transcript NM_000834.5 (MANE Select); coding-DNA position 2533, C replaced by T.
Protein change: p.Gln845Ter; replaces glutamine 845 with a stop codon.
Molecular consequence: nonsense.
Genome position (GRCh38, 1-based): chr12:13,567,090, G>A on the plus strand (C>T on the coding strand, the complement: GRIN2B is on the minus strand). VCF-style: chr12-13567090-G-A. GRCh37 (hg19) VCF-style: chr12-13720024-G-A.
Other names: c.2533C>T (NM_000834.3); c.2533C>T, p.Gln845Ter (NM_001413992.1); short protein forms Q845*.
Identifiers: ClinVar variation 3378406 (VCV003378406.3).